The following is an entry in ClinVar:

ClinVar aggregate classification (germline): Pathogenic. Review status: reviewed by expert panel (3 of 4 stars). 5 submissions from 5 submitters: Pathogenic (1). 4 of the submissions do not count toward it. Last evaluated 2023-09-21.

Conditions:
Hereditary antithrombin deficiency (AT3D). Also called: Antithrombin III deficiency; Thrombophilia due to antithrombin III deficiency; Reduced antithrombin III activity; Antithrombin deficiency. Identifiers: Orphanet 82, MedGen C0272375, MONDO:0013144, OMIM 613118, HP:0001976.

Allele frequency attached by ClinVar (database versions not stated): gnomAD exomes below 0.00001; TOPMed below 0.00001.

Submissions (5):

Clingen Thrombosis Variant Curation Expert Panel, ClinGen
Classification: Pathogenic for Hereditary antithrombin deficiency. Last evaluated: 2023-09-21. Review status: reviewed by expert panel. Criteria: ClinGen ACMG Specifications SERPINC1 V1.0.0. Collection method: curation. Allele origin: germline. Inheritance: Autosomal dominant inheritance.
Comment: The c.1274G>A (NM_000488.3) variant in SERPINC1 is a missense variant predicted to cause substitution of arginine by histidine at amino acid 425 (p.Arg425His; legacy nomenclature p.R393H aka Antithrombin Glasgow). The computational predictor REVEL gives a score of 0.806, which is above the threshold of >0.6 and provides evidence that correlates with impact to SERPINC1 function, meeting criteria for PP3. This variant is at extremely low frequency (Total: 0.000003979, European (non-Finnish): 0.000008798) in gnomAD v2.1.1 with good coverage across both genomes and exomes, meeting criteria for PM2_supporting (MAF <2.0 X 10-5). This variant has been reported in at least 16 probands in the literature with AT deficiency meeting PP4 and PS4_VeryStrong (PMID: 26134363; 27766527; 28607330; 28300866; 3179448). Additionally, this variant has been report in at least 4 meioses across 14 families meeting PP1_Moderate. In summary, based on the evidence available at this time, the clinical significance of this variant is pathogenic. ACMG/AMP criteria applied, as specified by the Thrombosis Variant Curation Expert Panel for SERPINC1: PS4_Very Strong, PP1_Moderate, PP3, PP4, PM2_Supporting.

Labcorp Genetics (formerly Invitae), Labcorp
Classification: Pathogenic for Hereditary antithrombin deficiency. Last evaluated: 2025-09-23. Review status: criteria provided, single submitter. Criteria: Invitae Variant Classification Sherloc (09022015). Collection method: clinical testing. Allele origin: germline. Not counted in ClinVar's aggregate classification.
Comment: This sequence change replaces arginine, which is basic and polar, with histidine, which is basic and polar, at codon 425 of the SERPINC1 protein (p.Arg425His). This variant is present in population databases (rs121909549, gnomAD 0.0009%). This missense change has been observed in individuals with antithrombin III deficiency (PMID: 3179448, 22481271, 28317092, 28607330; internal data). This variant is also known as Arg393His and ATIII Glasgow. ClinVar contains an entry for this variant (Variation ID: 18019). Invitae Evidence Modeling of protein sequence and biophysical properties (such as structural, functional, and spatial information, amino acid conservation, physicochemical variation, residue mobility, and thermodynamic stability) indicates that this missense variant is expected to disrupt SERPINC1 protein function with a positive predictive value of 95%. Experimental studies have shown that this missense change affects SERPINC1 function (PMID: 22481271). This variant disrupts the p.Arg425 amino acid residue in SERPINC1. Other variant(s) that disrupt this residue have been determined to be pathogenic (PMID: 3179448, 4049307, 22481271, 27098529). This suggests that this residue is clinically significant, and that variants that disrupt this residue are likely to be disease-causing. For these reasons, this variant has been classified as Pathogenic.

GeneDx
Classification: Likely pathogenic. Last evaluated: 2025-06-25. Review status: criteria provided, single submitter. Criteria: GeneDx Variant Classification Process June 2021. Collection method: clinical testing. Allele origin: germline. Affected: yes. Not counted in ClinVar's aggregate classification.
Comment: Not observed at significant frequency in large population cohorts (gnomAD); In silico analysis supports that this missense variant has a deleterious effect on protein structure/function; Also known as p.R393H and ATIII Glasgow; This variant is associated with the following publications: (PMID: 3360140, 3162733, 22481271, 21264449, 29902631, 3179448, 28607330, 39423957, 35860682, 28317092, 23932013, 2917133, 40227156, 2794060, 28300866, 27766527)

Laboratory of Genetics, Children's Clinical University Hospital Latvia
Classification: Pathogenic. Last evaluated: 2025-02-16. Review status: criteria provided, single submitter. Criteria: ACMG Guidelines, 2015. Collection method: clinical testing. Allele origin: germline. Affected: yes. Not counted in ClinVar's aggregate classification.

OMIM
Classification: Pathogenic for THROMBOPHILIA DUE TO ANTITHROMBIN III DEFICIENCY. Last evaluated: 1989-10-01. Review status: no assertion criteria provided. Collection method: literature only. Allele origin: germline. Not counted in ClinVar's aggregate classification.

Literature cited by the submitters: PubMed 3179448 (cited by Labcorp Genetics (formerly Invitae), Labcorp); PubMed 22481271 (cited by Labcorp Genetics (formerly Invitae), Labcorp); PubMed 28317092 (cited by Labcorp Genetics (formerly Invitae), Labcorp); PubMed 28607330 (cited by Labcorp Genetics (formerly Invitae), Labcorp); PubMed 4049307 (cited by Labcorp Genetics (formerly Invitae), Labcorp); PubMed 27098529 (cited by Labcorp Genetics (formerly Invitae), Labcorp); PubMed 3580302 (cited by OMIM); PubMed 3238650 (cited by OMIM); PubMed 3360140 (cited by OMIM); PubMed 2917133 (cited by OMIM); PubMed 2794060 (cited by OMIM); PubMed 3162733 (cited by OMIM).

NM_000488.4(SERPINC1):c.1274G>A (p.Arg425His)

Gene: SERPINC1 (serpin family C member 1; minus strand). Cytogenetic location: 1q25.1.
Variant type: single nucleotide variant.
Coding change: c.1274G>A on transcript NM_000488.4 (MANE Select); coding-DNA position 1274, G replaced by A.
Protein change: p.Arg425His; replaces arginine 425 with histidine.
Molecular consequence: missense variant.
Genome position (GRCh38, 1-based): chr1:173,904,010, C>T on the plus strand (G>A on the coding strand, the complement: SERPINC1 is on the minus strand). VCF-style: chr1-173904010-C-T. GRCh37 (hg19) VCF-style: chr1-173873148-C-T.
Other names: R393H; NM_000488.4(SERPINC1):c.1274G>A; c.1130G>A, p.Arg377His (NM_001365052.2); c.1397G>A, p.Arg466His (NM_001386302.1); c.1355G>A, p.Arg452His (NM_001386303.1); c.1253G>A, p.Arg418His (NM_001386304.1); c.1217G>A, p.Arg406His (NM_001386305.1); c.1058G>A, p.Arg353His (NM_001386306.1); and 1 more; short protein forms R425H, R377H, R353H, R406H, R418H, R452H, R466H.
Identifiers: ClinVar variation 18019 (VCV000018019.9), dbSNP rs121909549, ClinGen allele CA210766.